The following is an entry in ClinVar:

NM_000261.2(MYOC):c.136C>T (p.Arg46Ter)

Gene: MYOC (myocilin; minus strand). Cytogenetic location: 1q24.3.
Variant type: single nucleotide variant.
Coding change: c.136C>T on transcript NM_000261.2 (MANE Select); coding-DNA position 136, C replaced by T.
Protein change: p.Arg46Ter; replaces arginine 46 with a stop codon.
Molecular consequence: nonsense.
Genome position (GRCh38, 1-based): chr1:171,652,476, G>A on the plus strand (C>T on the coding strand, the complement: MYOC is on the minus strand). VCF-style: chr1-171652476-G-A. GRCh37 (hg19) VCF-style: chr1-171621616-G-A.
Other names: NM_000261.2(MYOC):c.136C>T; p.Arg46Ter; short protein forms R46*.
Identifiers: ClinVar variation 7955 (VCV000007955.23), dbSNP rs74315337, ClinGen allele CA119179.
Genomic context (GRCh38, chr1:171,652,476, plus strand): 5'-GGCTCTGCTCTGGGCAGCTGGATTCATTGGGACTGGCCACACTGAAGGTATACTGGCATC[G>A]GCCACTCTGGTCATTGGCCTTCCTGAGCTGAGCTGTCCTGGCCCCCACATCCCACACCAG-3'

ClinVar aggregate classification (germline): Likely benign. Review status: reviewed by expert panel (3 of 4 stars). 8 submissions from 7 submitters: Likely benign (1). 7 of the submissions do not count toward it. Last evaluated 2025-11-12.

Conditions:
Open-angle glaucoma. Identifiers: MedGen C0017612, MONDO:0005338, HP:0012108.
MYOC-related disorder. Also called: MYOC-related condition; MYOC-related disorders. Identifiers: MedGen CN239330.
Glaucoma. Identifiers: MedGen C0017601, MONDO:0005041, HP:0000501.
RECLASSIFIED - MYOC POLYMORPHISM. Also called: RECLASSIFIED - MS4A2 POLYMORPHISM; RECLASSIFIED - PLA2G7 POLYMORPHISM; RECLASSIFIED - POLYMORPHISM; RECLASSIFIED - IL4R POLYMORPHISM.
Glaucoma 1, open angle, A (GLC1A). Also called: Glaucoma, Dominant (Juvenile Onset). Identifiers: Orphanet 98977, MedGen C1842028, MONDO:0007664, OMIM 137750.

Allele frequency attached by ClinVar (database versions not stated): gnomAD 0.00024 and 0.00033; TOPMed 0.00089; 1000 Genomes Project 0.00140; 1000 Genomes Project 30x 0.00141.

Submissions (8):

ClinGen Glaucoma Variant Curation Expert Panel
Classification: Likely benign for Open-angle glaucoma. Last evaluated: 2025-11-12. Review status: reviewed by expert panel. Criteria: ClinGen Glaucoma ACMG Specifications V2.0.0 Approved. Collection method: curation. Allele origin: germline. Inheritance: Autosomal dominant inheritance.
Comment: The c.136C>T variant in MYOC is predicted to cause a change in the length of the protein due to the insertion of a terminating codon instead of the usual Arginine at amino acid 46 (p.Arg46Ter). Truncation of this protein occurs outside of the conserved olfactomedin domain, which did not meet PM4. PVS1 did not apply, as the disease mechanism for MYOC variants associated with juvenile or primary open angle glaucoma (JOAG or POAG) is not loss-of-function. The highest minor allele frequency of this variant was in the East Asian genetic ancestry group of gnomAD (v4.1.0) = 0.006416, which met the ≥ 0.001 threshold set for BS1 (288 alleles out of 44,888), meeting the threshold of ≥ 5 of at least 2,000 observed alleles). There was no functional evidence predicting a damaging or benign impact of this variant on MYOC function. As BS1 was met, PP1 did not apply and segregations were not counted. Although probands with JOAG or POAG have been reported carrying this variant, PM2_Supporting was not met, therefore PS4 did not apply. In summary, this variant met the criteria to receive a score of -4 and to be classified as likely benign (likely benign classification range -2 to -6, adapted from PMID: 32720330) for juvenile open angle glaucoma based on the ACMG/AMP criteria met, as specified by the ClinGen Glaucoma VCEP (v2.0.0, 5 Dec 2024): BS1

PreventionGenetics, part of Exact Sciences
Classification: Likely benign for MYOC-related condition. Last evaluated: 2026-04-16. Review status: criteria provided, single submitter. Criteria: ACMG Guidelines, 2015. Collection method: clinical testing. Allele origin: germline. Not counted in ClinVar's aggregate classification.
Comment: This variant is classified as likely benign based on ACMG/AMP sequence variant interpretation guidelines (Richards et al. 2015 PMID: 25741868, with internal and published modifications).

Labcorp Genetics (formerly Invitae), Labcorp
Classification: Benign. Last evaluated: 2024-10-25. Review status: criteria provided, single submitter. Criteria: Invitae Variant Classification Sherloc (09022015). Collection method: clinical testing. Allele origin: germline. Not counted in ClinVar's aggregate classification.

Fulgent Genetics
Classification: Likely benign for Glaucoma 1, open angle, A. Last evaluated: 2022-05-16. Review status: criteria provided, single submitter. Criteria: ACMG Guidelines, 2015. Collection method: clinical testing. Allele origin: unknown. Not counted in ClinVar's aggregate classification.

Illumina Laboratory Services, Illumina
Classification: Likely benign for Glaucoma. Last evaluated: 2017-04-27. Review status: criteria provided, single submitter. Criteria: ICSL Variant Classification Criteria 13 December 2019. Collection method: clinical testing. Allele origin: germline. Not counted in ClinVar's aggregate classification.
Comment: This variant was observed as part of a predisposition screen in an ostensibly healthy population. A literature search was performed for the gene, cDNA change, and amino acid change (where applicable). No publications were found based on this search. Allele frequency data from public databases allowed determination this variant is unlikely to cause disease. Therefore, this variant is classified as likely benign.

Illumina Laboratory Services, Illumina
Classification: Likely benign for Glaucoma 1, open angle, A. Last evaluated: 2017-04-27. Review status: criteria provided, single submitter. Criteria: ICSL Variant Classification Criteria 13 December 2019. Collection method: clinical testing. Allele origin: germline. Not counted in ClinVar's aggregate classification.
Comment: This variant was observed as part of a predisposition screen in an ostensibly healthy population. A literature search was performed for the gene, cDNA change, and amino acid change (where applicable). Publications were found based on this search. The evidence from the literature, in combination with allele frequency data from public databases where available, was sufficient to determine this variant is unlikely to cause disease. Therefore, this variant is classified as likely benign.

OMIM
Classification: Benign for RECLASSIFIED - MYOC POLYMORPHISM. Last evaluated: 1999-06-01. Review status: no assertion criteria provided. Collection method: literature only. Allele origin: germline. Not counted in ClinVar's aggregate classification.

Reproductive Health Research and Development, BGI Genomics
Classification: Pathogenic for Glaucoma 1, open angle, A. Last evaluated: 2020-01-06. Review status: flagged submission. Collection method: curation. Allele origin: germline. Not counted in ClinVar's aggregate classification.
Comment: NM_000261.1:c.136C>T in the MYOC gene has an allele frequency of 0.009 in East Asian subpopulation in the gnomAD database. This variant is predicted to cause loss of normal protein function either through protein truncation or nonsense-mediated mRNA decay. Taken together, we interprete this variant as Pathogenic/Likely pathogenic. ACMG/AMP Criteria applied: PVS1, PS4_Moderate, PP4.
ClinVar note: Reason: Conflicts with expert reviewed submission without evidence to support different classification

Literature cited by the submitters: PubMed 23029558 (cited by Illumina Laboratory Services, Illumina); PubMed 11298682 (cited by Illumina Laboratory Services, Illumina); PubMed 14688426 (cited by Illumina Laboratory Services, Illumina); PubMed 10330365 (cited by Illumina Laboratory Services, Illumina and OMIM); PubMed 17893664 (cited by Illumina Laboratory Services, Illumina); PubMed 12356829 (cited by Illumina Laboratory Services, Illumina); PubMed 15790895 (cited by Illumina Laboratory Services, Illumina); PubMed 16466712 (cited by Illumina Laboratory Services, Illumina); PubMed 34082484 (cited by OMIM).